The following is an entry in ClinVar:

NM_002693.3(POLG):c.1118C>T (p.Pro373Leu)

Gene: POLG (DNA polymerase gamma, catalytic subunit; minus strand). Cytogenetic location: 15q26.1.
Variant type: single nucleotide variant.
Coding change: c.1118C>T on transcript NM_002693.3 (MANE Select); coding-DNA position 1118, C replaced by T.
Protein change: p.Pro373Leu; replaces proline 373 with leucine.
Molecular consequence: missense variant.
Genome position (GRCh38, 1-based): chr15:89,328,737, G>A on the plus strand (C>T on the coding strand, the complement: POLG is on the minus strand). VCF-style: chr15-89328737-G-A. GRCh37 (hg19) VCF-style: chr15-89871968-G-A.
Other names: p.P373L:CCT>CTT; c.1118C>T, p.Pro373Leu (NM_001126131.2); short protein forms P373L.
Identifiers: ClinVar variation 206627 (VCV000206627.2), dbSNP rs796052917, ClinGen allele CA316892.

ClinVar aggregate classification (germline): Uncertain significance (1 of 4 stars; one submission).

Allele frequency attached by ClinVar (database versions not stated): gnomAD exomes below 0.00001.
gnomAD v4.1: 1 of 1,614,158 alleles (0.000062%); highest among the groups gnomAD compares: Non-Finnish European, 0.000085%; no homozygotes.

Submission:

GeneDx
Classification: Uncertain significance. Last evaluated: 2012-02-20. Review status: criteria provided, single submitter. Criteria: GeneDx Variant Classification (06012015). Collection method: clinical testing. Allele origin: germline. Affected: yes.
Comment: This variant is denoted c.1118 C>T at the cDNA level or p.Pro373Leu (P373L) at the protein level. The P373L missense substitution has not been published as a mutation, nor has it been reported as a benign polymorphism to our knowledge. The amino acid change is semi-conservative in that Proline and Leucine are both uncharged, non-polar amino acids; however, the replacement of a Proline with its unique ring structure may alter the secondary structure of the POLG protein. This substitution occurs at a highly conserved position in the POLG protein; however, this position is not highly conserved in related proteins. Multiple in-silico analysis models predict that P373L is a benign sequence change. The variant is found in MITO24 panel(s).